The following is an entry in ClinVar:

NM_002691.4(POLD1):c.960C>A (p.Ala320=)

Gene: POLD1 (DNA polymerase delta 1, catalytic subunit; plus strand). Cytogenetic location: 19q13.33.
Variant type: single nucleotide variant.
Coding change: c.960C>A on transcript NM_002691.4 (MANE Select); coding-DNA position 960, C replaced by A.
Protein change: p.Ala320=; no amino-acid change (alanine 320 retained).
Molecular consequence: synonymous variant. On other transcripts: non-coding transcript variant (1).
Genome position (GRCh38, 1-based): chr19:50,402,731, C>A. VCF-style: chr19-50402731-C-A. GRCh37 (hg19) VCF-style: chr19-50905988-C-A.
Other names: c.960C>A, p.Ala320= (NM_001256849.1, NM_001308632.1).
Identifiers: ClinVar variation 3904290 (VCV003904290.1).

ClinVar aggregate classification (germline): Benign (1 of 4 stars; one submission).

Conditions:
POLD1-related polyposis and colorectal cancer syndrome (CRCS10). Also called: Colorectal cancer 10; COLORECTAL CANCER, SUSCEPTIBILITY TO, ON CHROMOSOME 19q; Colorectal cancer, susceptibility to, 10. Identifiers: Orphanet 220460, MedGen C2675481, MONDO:0012953, OMIM 612591.

gnomAD v4.1: 1 of 1,592,514 alleles (0.000063%); highest among the groups gnomAD compares: Non-Finnish European, 0.000086%; no homozygotes.

Submission:

Myriad Genetics, Inc.
Classification: Benign for POLD1-related polyposis and colorectal cancer syndrome. Last evaluated: 2025-02-05. Review status: criteria provided, single submitter. Criteria: Myriad Autosomal Dominant, Autosomal Recessive and X-Linked Classification Criteria (2023). Collection method: clinical testing. Allele origin: unknown.
Comment: This variant is considered benign. This variant is a silent/synonymous amino acid change and it is not expected to impact splicing.